The following is an entry in ClinVar:

NM_000059.4(BRCA2):c.4503T>C (p.Asn1501=)

Gene: BRCA2 (BRCA2 DNA repair associated; plus strand). Cytogenetic location: 13q13.1.
Variant type: single nucleotide variant.
Coding change: c.4503T>C on transcript NM_000059.4 (MANE Select); coding-DNA position 4503, T replaced by C.
Protein change: p.Asn1501=; no amino-acid change (asparagine 1501 retained).
Molecular consequence: synonymous variant.
Genome position (GRCh38, 1-based): chr13:32,338,858, T>C. VCF-style: chr13-32338858-T-C. GRCh37 (hg19) VCF-style: chr13-32912995-T-C.
Identifiers: ClinVar variation 427518 (VCV000427518.18), dbSNP rs752976575, ClinGen allele CA6940786.

ClinVar aggregate classification (germline): Likely benign. Review status: reviewed by expert panel (3 of 4 stars). 3 submissions from 3 submitters: Likely benign (1). 2 of the submissions do not count toward it. Last evaluated 2017-06-29.

Conditions:
Hereditary cancer-predisposing syndrome. Also called: Hereditary neoplastic syndrome; Hereditary Cancer Syndrome; Neoplastic Syndromes, Hereditary; Tumor predisposition. Identifiers: Orphanet 140162, MedGen C0027672, MeSH D009386, MONDO:0015356.
Breast-ovarian cancer, familial, susceptibility to, 2 (BROVCA2). Also called: BRCA2 Hereditary Breast and Ovarian Cancer. Identifiers: Orphanet 145, MedGen C2675520, MONDO:0012933, OMIM 612555. Disease mechanism: loss of function.
Hereditary breast ovarian cancer syndrome. Also called: Hereditary breast and ovarian cancer syndrome; BRCA1- and BRCA2-Associated Hereditary Breast and Ovarian Cancer; Hereditary breast and/or ovarian cancer syndrome; Hereditary breast and ovarian cancer; Breast and ovarian cancer; Hereditary breast and ovarian cancer syndrome (HBOC). Identifiers: Orphanet 145, MedGen C0677776, MeSH D061325, MONDO:0003582. Disease mechanism: loss of function.

Allele frequency attached by ClinVar (database versions not stated): gnomAD exomes below 0.00001; ExAC 0.00001.
gnomAD v4.1: 1 of 1,613,768 alleles (0.000062%); highest among the groups gnomAD compares: Non-Finnish European, 0.000085%; no homozygotes.

Submissions (3):

Evidence-based Network for the Interpretation of Germline Mutant Alleles (ENIGMA)
Classification: Likely benign for Breast-ovarian cancer, familial, susceptibility to, 2. Last evaluated: 2017-06-29. Review status: reviewed by expert panel. Criteria: ENIGMA BRCA1/2 Classification Criteria (2017-06-29). Collection method: curation. Allele origin: germline.
Comment: Synonymous substitution variant, with low bioinformatic likelihood to result in a splicing aberration (Splicing prior probability 0.02).

Labcorp Genetics (formerly Invitae), Labcorp
Classification: Likely benign for Hereditary breast ovarian cancer syndrome. Last evaluated: 2023-02-04. Review status: criteria provided, single submitter. Criteria: Invitae Variant Classification Sherloc (09022015). Collection method: clinical testing. Allele origin: germline. Not counted in ClinVar's aggregate classification.

Ambry Genetics
Classification: Likely benign for Hereditary cancer-predisposing syndrome. Last evaluated: 2016-02-25. Review status: criteria provided, single submitter. Criteria: Ambry Variant Classification Scheme 2023. Collection method: clinical testing. Allele origin: germline. Not counted in ClinVar's aggregate classification.